The following is an entry in ClinVar:

ClinVar aggregate classification (germline): Conflicting classifications of pathogenicity. Review status: criteria provided, conflicting classifications (1 of 4 stars). 5 submissions from 5 submitters: Uncertain significance (4); Likely benign (1). Last evaluated 2026-01-04.

Conditions:
Ehlers-Danlos syndrome, classic type, 1 (EDSCL1). Also called: EDS I; Ehlers-Danlos syndrome, type 1; Ehlers-Danlos Syndrome, Classic Type, COL5A1-Related; EHLERS-DANLOS SYNDROME, GRAVIS TYPE; EHLERS-DANLOS SYNDROME, SEVERE CLASSIC TYPE. Identifiers: MedGen C0268335, MONDO:0019567, OMIM 130000.
Familial thoracic aortic aneurysm and aortic dissection (TAAD). Also called: Thoracic aortic aneurysms and dissections. Identifiers: Orphanet 91387, MedGen C4707243, MONDO:0019625.

Submissions (5):

Labcorp Genetics (formerly Invitae), Labcorp
Classification: Uncertain significance for Ehlers-Danlos syndrome, classic type, 1. Last evaluated: 2026-01-04. Review status: criteria provided, single submitter. Criteria: Invitae Variant Classification Sherloc (09022015). Collection method: clinical testing. Allele origin: germline.
Comment: This variant, c.1258_1269del, results in the deletion of 4 amino acid(s) of the COL5A1 protein (p.Tyr420_Pro423del), but otherwise preserves the integrity of the reading frame. This variant is present in population databases (rs781298218, gnomAD 0.01%). This variant has not been reported in the literature in individuals affected with COL5A1-related conditions. Experimental studies and prediction algorithms are not available or were not evaluated, and the functional significance of this variant is currently unknown. In summary, the available evidence is currently insufficient to determine the role of this variant in disease. Therefore, it has been classified as a Variant of Uncertain Significance.

Women's Health and Genetics/Laboratory Corporation of America, LabCorp
Classification: Likely benign. Last evaluated: 2025-05-27. Review status: criteria provided, single submitter. Criteria: LabCorp Variant Classification Summary - May 2015. Collection method: clinical testing. Allele origin: germline.
Comment: Variant summary: COL5A1 c.1258_1269del12 (p.Tyr420_Pro423del) results in an in-frame deletion that is predicted to remove 4 amino acids from the encoded protein. The variant allele was found at a frequency of 7.6e-05 in 249022 control chromosomes. The observed variant frequency is approximately 2.44 fold of the estimated maximal expected allele frequency for a pathogenic variant in COL5A1 causing Ehlers-Danlos syndrome, classic type, Ehlers-Danlos syndrome, classic type, 1 phenotype (3.1e-05). To our knowledge, no occurrence of c.1258_1269del12 in individuals affected with Ehlers-Danlos syndrome, classic type, Ehlers-Danlos syndrome, classic type, 1 and no experimental evidence demonstrating its impact on protein function have been reported. ClinVar contains an entry for this variant (Variation ID: 459653). Based on the evidence outlined above, the variant was classified as likely benign.

Ambry Genetics
Classification: Uncertain significance for Familial thoracic aortic aneurysm and aortic dissection. Last evaluated: 2025-02-05. Review status: criteria provided, single submitter. Criteria: Ambry Variant Classification Scheme 2023. Collection method: clinical testing. Allele origin: germline.
Comment: The c.1258_1269del12 variant (also known as p.Y420_P423del) is located in coding exon 8 of the COL5A1 gene. This variant results from an in-frame TACTACGACCCC deletion at nucleotide positions 1258 to 1269. This results in the in-frame deletion of a at codon 420. This amino acid position region ranges from highly conserved to not well conserved in available vertebrate species. In addition, the in silico prediction for this alteration is inconclusive (Choi Y et al. PLoS ONE. 2012; 7(10):e46688). Based on the available evidence, the clinical significance of this variant remains unclear.

CeGaT Center for Human Genetics Tuebingen
Classification: Uncertain significance. Last evaluated: 2019-11-01. Review status: criteria provided, single submitter. Criteria: CeGaT Center For Human Genetics Tuebingen Variant Classification Criteria Version 2. Collection method: clinical testing. Allele origin: germline. Affected: yes. Observed: 1 variant allele.

Mayo Clinic Laboratories, Mayo Clinic
Classification: Uncertain significance. Last evaluated: 2019-08-11. Review status: criteria provided, single submitter. Criteria: ACMG Guidelines, 2015. Collection method: clinical testing. Allele origin: germline. Observed: 1 variant allele.

NM_000093.5(COL5A1):c.1246TACTACGACCCC[1] (p.416YYDP[1])

Gene: COL5A1 (collagen type V alpha 1 chain; plus strand). Cytogenetic location: 9q34.3.
Variant type: Microsatellite.
Coding change: c.1246TACTACGACCCC[1] on transcript NM_000093.5 (MANE Select); one copy of the 12-base unit TACTACGACCCC starting at c.1246; the reference has two copies in a row; one copy, 12 bases deleted.
Protein change: p.416YYDP[1].
Molecular consequence: inframe deletion.
Genome position (GRCh38, 1-based): chr9:134,731,589-134,731,600, TACTACGACCCC deleted; deleting any 12 consecutive bases within chr9:134,731,576-134,731,600 gives the same sequence; the position shown is the placement nearest the transcript's 3' end. VCF-style (leftmost placement, unchanged base first): chr9-134731575-ACTACTACGACCC-A. GRCh37 (hg19) VCF-style: chr9-137623421-ACTACTACGACCC-A.
Other names: c.1258_1269del12 (NM_000093.5); c.1246TACTACGACCCC[1], p.416YYDP[1] (NM_001278074.1); c.1258_1269delTACTACGACCCC (NM_000093.4).
Identifiers: ClinVar variation 459653 (VCV000459653.55), dbSNP rs745934765, ClinGen allele CA5318687.